The following is an entry in ClinVar:

ClinVar aggregate classification (germline): Uncertain significance. Review status: criteria provided, multiple submitters, no conflicts (2 of 4 stars). 2 submissions from 2 submitters: Uncertain significance (2). Last evaluated 2026-07-07.

Conditions:
Hereditary cancer-predisposing syndrome. Also called: Hereditary neoplastic syndrome; Neoplastic Syndromes, Hereditary; Tumor predisposition; Hereditary Cancer Syndrome. Identifiers: Orphanet 140162, MedGen C0027672, MeSH D009386, MONDO:0015356.
Peutz-Jeghers syndrome (PJS). Also called: POLYPOSIS, HAMARTOMATOUS INTESTINAL; POLYPS-AND-SPOTS SYNDROME; Peutz-Jeghers polyposis; Periorificial lentiginosis syndrome. Identifiers: Orphanet 2869, MedGen C0031269, MeSH D010580, MONDO:0008280, OMIM 175200.

Allele frequency attached by ClinVar (database versions not stated): gnomAD 0.00001.
gnomAD v4.1: 1 of 1,594,876 alleles (0.000063%); highest among the groups gnomAD compares: Non-Finnish European, 0.000085%; no homozygotes.

Submissions (2):

Ambry Genetics
Classification: Uncertain significance for Hereditary cancer-predisposing syndrome. Last evaluated: 2026-07-07. Review status: criteria provided, single submitter. Criteria: Ambry Variant Classification Scheme 2023. Collection method: clinical testing. Allele origin: germline.
Comment: The p.Q8K variant (also known as c.22C>A), located in coding exon 1 of the STK11 gene, results from a C to A substitution at nucleotide position 22. The glutamine at codon 8 is replaced by lysine, an amino acid with similar properties. This amino acid position is conserved. In addition, this alteration is predicted to be tolerated by in silico analysis. Based on the available evidence, the clinical significance of this variant remains unclear.

Labcorp Genetics (formerly Invitae), Labcorp
Classification: Uncertain significance for Peutz-Jeghers syndrome. Last evaluated: 2022-06-06. Review status: criteria provided, single submitter. Criteria: Invitae Variant Classification Sherloc (09022015). Collection method: clinical testing. Allele origin: germline.
Comment: This sequence change replaces glutamine, which is neutral and polar, with lysine, which is basic and polar, at codon 8 of the STK11 protein (p.Gln8Lys). This variant is not present in population databases (gnomAD no frequency). This variant has not been reported in the literature in individuals affected with STK11-related conditions. Advanced modeling of protein sequence and biophysical properties (such as structural, functional, and spatial information, amino acid conservation, physicochemical variation, residue mobility, and thermodynamic stability) performed at Invitae indicates that this missense variant is not expected to disrupt STK11 protein function. In summary, the available evidence is currently insufficient to determine the role of this variant in disease. Therefore, it has been classified as a Variant of Uncertain Significance.

NM_000455.5(STK11):c.22C>A (p.Gln8Lys)

Gene: STK11 (serine/threonine kinase 11; plus strand). Cytogenetic location: 19p13.3.
Variant type: single nucleotide variant.
Coding change: c.22C>A on transcript NM_000455.5 (MANE Select); coding-DNA position 22, C replaced by A.
Protein change: p.Gln8Lys; replaces glutamine 8 with lysine.
Molecular consequence: missense variant.
Genome position (GRCh38, 1-based): chr19:1,206,935, C>A. VCF-style: chr19-1206935-C-A. GRCh37 (hg19) VCF-style: chr19-1206934-C-A.
Other names: c.22C>A, p.Gln8Lys (NM_001407255.1); short protein forms Q8K.
Identifiers: ClinVar variation 2002561 (VCV002002561.5), dbSNP rs760588289, ClinGen allele CA402943072.
Genomic context (GRCh38, chr19:1,206,935, plus strand): 5'-TCAGGGCTGGCGGCGGGACTCCAGGACCCTGGGTCCAGCATGGAGGTGGTGGACCCGCAG[C>A]AGCTGGGCATGTTCACGGAGGGCGAGCTGATGTCGGTGGGTATGGACACGTTCATCCACC-3'
Protein context (NP_000446.1, residues 1-18): MEVVDPQ[Gln8Lys]LGMFTEGELM